The following is an entry in ClinVar:

ClinVar aggregate classification (germline): Uncertain significance. Review status: criteria provided, multiple submitters, no conflicts (2 of 4 stars). 2 submissions from 2 submitters: Uncertain significance (2). Last evaluated 2024-11-15.

Conditions:
Catecholaminergic polymorphic ventricular tachycardia 1. Also called: VENTRICULAR TACHYCARDIA, CATECHOLAMINERGIC POLYMORPHIC, 1, WITH OR WITHOUT ATRIAL DYSFUNCTION AND/OR DILATED CARDIOMYOPATHY; RYR2-Related Catecholaminergic Polymorphic Ventricular Tachycardia; VENTRICULAR TACHYCARDIA, STRESS-INDUCED POLYMORPHIC 1. Identifiers: Orphanet 3286, MedGen C1631597, MONDO:0011484, OMIM 604772.

Submissions (2):

Blueprint Genetics
Classification: Uncertain significance. Last evaluated: 2024-11-15. Review status: criteria provided, single submitter. Criteria: ACMG Guidelines, 2015. Collection method: clinical testing. Allele origin: germline.

Victorian Clinical Genetics Services, Murdoch Childrens Research Institute
Classification: Uncertain significance for Catecholaminergic polymorphic ventricular tachycardia 1. Last evaluated: 2022-09-02. Review status: criteria provided, single submitter. Criteria: ACMG Guidelines, 2015. Collection method: clinical testing. Allele origin: germline. Inheritance: Autosomal dominant inheritance. Affected: yes.
Comment: Based on the classification scheme VCGS_Germline_v1.3.4, this variant is classified as VUS-3A. Following criteria are met: 0103 - Dominant negative and gain of function are known mechanisms of disease in this gene and are associated with catecholaminergic polymorphic ventricular tachycardia 1 (MIM#604772) and left ventricular non-compaction (PMIDs: 12459180, 27646203, 29477366, 31875585, 33500567). Loss of function has been reported for ventricular arrhythmias due to cardiac ryanodine receptor calcium release deficiency syndrome (MIM#115000), however dominant negative mechanism has not been excluded (PMID: 33536282). (I) 0107 - This gene is associated with autosomal dominant disease. (I) 0112 - The condition associated with this gene has incomplete penetrance. Penetrance for CPVT is estimated to be 60-70% (PMID: 23549275). (I) 0200 - Variant is predicted to result in a missense amino acid change from histidine to asparagine. (I) 0251 - This variant is heterozygous. (I) 0301 - Variant is absent from gnomAD (both v2 and v3). (SP) 0501 - Missense variant consistently predicted to be damaging by multiple in silico tools or highly conserved with a major amino acid change. (SP) 0602 - Variant is located in a hotspot region or cluster of pathogenic variants (PMID: 30696458). (SP) 0705 - No comparable missense variants have previous evidence for pathogenicity. (I) 0807 - This variant has no previous evidence of pathogenicity. (I) 0905 - No published segregation evidence has been identified for this variant. (I) 1007 - No published functional evidence has been identified for this variant. (I) 1208 - Inheritance information for this variant is not currently available in this individual. (I) Legend: (SP) - Supporting pathogenic, (I) - Information, (SB) - Supporting benign

Literature cited by the submitters: PubMed 12459180 (cited by Victorian Clinical Genetics Services, Murdoch Childrens Research Institute); PubMed 23549275 (cited by Victorian Clinical Genetics Services, Murdoch Childrens Research Institute); PubMed 27646203 (cited by Victorian Clinical Genetics Services, Murdoch Childrens Research Institute); PubMed 29477366 (cited by Victorian Clinical Genetics Services, Murdoch Childrens Research Institute); PubMed 30696458 (cited by Victorian Clinical Genetics Services, Murdoch Childrens Research Institute); PubMed 31875585 (cited by Victorian Clinical Genetics Services, Murdoch Childrens Research Institute); PubMed 33500567 (cited by Victorian Clinical Genetics Services, Murdoch Childrens Research Institute); PubMed 33536282 (cited by Victorian Clinical Genetics Services, Murdoch Childrens Research Institute).

NM_001035.3(RYR2):c.14722C>A (p.His4908Asn)

Gene: RYR2 (ryanodine receptor 2; plus strand). Cytogenetic location: 1q43.
Variant type: single nucleotide variant.
Coding change: c.14722C>A on transcript NM_001035.3 (MANE Select); coding-DNA position 14722, C replaced by A.
Protein change: p.His4908Asn; replaces histidine 4908 with asparagine.
Molecular consequence: missense variant.
Genome position (GRCh38, 1-based): chr1:237,830,596, C>A. VCF-style: chr1-237830596-C-A. GRCh37 (hg19) VCF-style: chr1-237993896-C-A.
Other names: short protein forms H4908N.
Identifiers: ClinVar variation 1806000 (VCV001806000.2), dbSNP rs2528471894, ClinGen allele CA345409774.